The following is an entry in ClinVar:

NM_001377229.1(DISP1):c.4217G>C (p.Cys1406Ser)

Gene: DISP1 (dispatched RND transporter family member 1; plus strand). Cytogenetic location: 1q41.
Variant type: single nucleotide variant.
Coding change: c.4217G>C on transcript NM_001377229.1 (MANE Select); coding-DNA position 4217, G replaced by C.
Protein change: p.Cys1406Ser; replaces cysteine 1406 with serine.
Molecular consequence: missense variant.
Genome position (GRCh38, 1-based): chr1:223,005,614, G>C. VCF-style: chr1-223005614-G-C. GRCh37 (hg19) VCF-style: chr1-223178956-G-C.
Other names: c.3488G>C, p.Cys1163Ser (NM_001350630.2); c.4217G>C, p.Cys1406Ser (NM_001369594.1, NM_001377228.1, NM_032890.5); short protein forms C1163S, C1406S.
Identifiers: ClinVar variation 2895017 (VCV002895017.2), dbSNP rs372648781, ClinGen allele CA38410491.
Genomic context (GRCh38, chr1:223,005,614, plus strand): 5'-CAAAGATGGCAGAGCCATCGTCATTTGTCTGCAGAAGCACTGGATCGTTACTCAAAACGT[G>C]TTGCGACCCCGAGAATAAACAAAGGGAACTCTGTAAAAATAGAGACGTGAGCAATCTGGA-3'
Protein context (NP_001364158.1, residues 1396-1416): CRSTGSLLKT[Cys1406Ser]CDPENKQREL

ClinVar aggregate classification (germline): Uncertain significance (1 of 4 stars; one submission).

Allele frequency attached by ClinVar (database versions not stated): TOPMed below 0.00001; ESP Exome Variant Server 0.00008.
gnomAD v4.1: 23 of 1,608,246 alleles (0.0014%); highest among the groups gnomAD compares: Non-Finnish European, 0.002%; no homozygotes.

Submission:

Labcorp Genetics (formerly Invitae), Labcorp
Classification: Uncertain significance. Last evaluated: 2023-11-12. Review status: criteria provided, single submitter. Criteria: Invitae Variant Classification Sherloc (09022015). Collection method: clinical testing. Allele origin: germline.
Comment: This sequence change replaces cysteine, which is neutral and slightly polar, with serine, which is neutral and polar, at codon 1406 of the DISP1 protein (p.Cys1406Ser). This variant is present in population databases (rs372648781, gnomAD 0.0009%). This variant has not been reported in the literature in individuals affected with DISP1-related conditions. An algorithm developed to predict the effect of missense changes on protein structure and function (PolyPhen-2) suggests that this variant¬¨‚Ä†is likely to be tolerated. In summary, the available evidence is currently insufficient to determine the role of this variant in disease. Therefore, it has been classified as a Variant of Uncertain Significance.